The following is an entry in ClinVar:

NM_194318.4(B3GLCT):c.1347C>A (p.Tyr449Ter)

Gene: B3GLCT (beta 3-glucosyltransferase; plus strand). Cytogenetic location: 13q12.3.
Variant type: single nucleotide variant.
Coding change: c.1347C>A on transcript NM_194318.4 (MANE Select); coding-DNA position 1347, C replaced by A.
Protein change: p.Tyr449Ter; replaces tyrosine 449 with a stop codon.
Molecular consequence: nonsense.
Genome position (GRCh38, 1-based): chr13:31,329,518, C>A. VCF-style: chr13-31329518-C-A. GRCh37 (hg19) VCF-style: chr13-31903655-C-A.
Other names: short protein forms Y449*.
Identifiers: ClinVar variation 1472733 (VCV001472733.9), dbSNP rs2137957629, ClinGen allele CA387819563.

ClinVar aggregate classification (germline): Uncertain significance (1 of 4 stars; one submission).

Conditions:
Peters plus syndrome. Also called: KRAUSE-KIVLIN SYNDROME. Identifiers: Orphanet 709, MedGen C0796012, MONDO:0009856, OMIM 261540.

Allele frequency attached by ClinVar (database versions not stated): gnomAD exomes below 0.00001.
gnomAD v4.1: 1 of 1,614,204 alleles (0.000062%); highest among the groups gnomAD compares: South Asian, 0.0011%; no homozygotes.

Submission:

Labcorp Genetics (formerly Invitae), Labcorp
Classification: Uncertain significance for Peters plus syndrome. Last evaluated: 2021-02-18. Review status: criteria provided, single submitter. Criteria: Invitae Variant Classification Sherloc (09022015). Collection method: clinical testing. Allele origin: germline.
Comment: Experimental studies and prediction algorithms are not available or were not evaluated, and the functional significance of this variant is currently unknown. This variant has been observed in individual(s) with clinical features of Peters-plus syndrome (Invitae). In at least one individual the data is consistent with the variant being in trans (on the opposite chromosome) from a pathogenic variant. This variant is not present in population databases (ExAC no frequency). This sequence change creates a premature translational stop signal (p.Tyr449*) in the B3GLCT gene. While this is not anticipated to result in nonsense mediated decay, it is expected to disrupt the last 50 amino acid(s) of the B3GLCT protein. In summary, the available evidence is currently insufficient to determine the role of this variant in disease. Therefore, it has been classified as a Variant of Uncertain Significance.